The following is an entry in ClinVar:

NM_001792.5(CDH2):c.200G>T (p.Arg67Ile)

Gene: CDH2 (cadherin 2; minus strand). Cytogenetic location: 18q12.1.
Variant type: single nucleotide variant.
Coding change: c.200G>T on transcript NM_001792.5 (MANE Select); coding-DNA position 200, G replaced by T.
Protein change: p.Arg67Ile; replaces arginine 67 with isoleucine.
Molecular consequence: missense variant.
Genome position (GRCh38, 1-based): chr18:28,013,882, C>A on the plus strand (G>T on the coding strand, the complement: CDH2 is on the minus strand). VCF-style: chr18-28013882-C-A. GRCh37 (hg19) VCF-style: chr18-25593846-C-A.
Other names: c.107G>T, p.Arg36Ile (NM_001308176.2); short protein forms R36I, R67I.
Identifiers: ClinVar variation 3488843 (VCV003488843.3).

ClinVar aggregate classification (germline): Uncertain significance. Review status: criteria provided, multiple submitters, no conflicts (2 of 4 stars). 2 submissions from 2 submitters: Uncertain significance (2). Last evaluated 2025-10-30.

Conditions:
Inborn genetic diseases. Identifiers: MedGen C0950123, MeSH D030342.

gnomAD v4.1: 1 of 1,613,120 alleles (0.000062%); highest among the groups gnomAD compares: South Asian, 0.0011%; no homozygotes.

Submissions (2):

Ambry Genetics
Classification: Uncertain significance for Inborn genetic diseases. Last evaluated: 2025-10-30. Review status: criteria provided, single submitter. Criteria: Ambry Variant Classification Scheme 2023. Collection method: clinical testing. Allele origin: germline.

Labcorp Genetics (formerly Invitae), Labcorp
Classification: Uncertain significance. Last evaluated: 2025-06-03. Review status: criteria provided, single submitter. Criteria: Invitae Variant Classification Sherloc (09022015). Collection method: clinical testing. Allele origin: germline.
Comment: This sequence change replaces arginine, which is basic and polar, with isoleucine, which is neutral and non-polar, at codon 67 of the CDH2 protein (p.Arg67Ile). This variant is present in population databases (rs766988186, gnomAD 0.003%). This variant has not been reported in the literature in individuals affected with CDH2-related conditions. ClinVar contains an entry for this variant (Variation ID: 3488843). An algorithm developed to predict the effect of missense changes on protein structure and function (PolyPhen-2) suggests that this variant is likely to be tolerated. In summary, the available evidence is currently insufficient to determine the role of this variant in disease. Therefore, it has been classified as a Variant of Uncertain Significance.